The following is an entry in ClinVar:

NM_005228.5(EGFR):c.2257C>T (p.Pro753Ser)

Gene: EGFR (epidermal growth factor receptor; plus strand). Cytogenetic location: 7p11.2.
Variant type: single nucleotide variant.
Coding change: c.2257C>T on transcript NM_005228.5 (MANE Select); coding-DNA position 2257, C replaced by T.
Protein change: p.Pro753Ser; replaces proline 753 with serine.
Molecular consequence: missense variant.
Genome position (GRCh38, 1-based): chr7:55,174,794, C>T. VCF-style: chr7-55174794-C-T. GRCh37 (hg19) VCF-style: chr7-55242487-C-T.
Other names: c.2122C>T, p.Pro708Ser (NM_001346897.2, NM_001346899.2); c.2257C>T, p.Pro753Ser (NM_001346898.2); c.2098C>T, p.Pro700Ser (NM_001346900.2); c.1456C>T, p.Pro486Ser (NM_001346941.2); short protein forms P753S, P486S, P708S, P700S.
Identifiers: ClinVar variation 3714589 (VCV003714589.2), dbSNP rs121913231.

ClinVar aggregate classification (germline): Uncertain significance (1 of 4 stars; one submission).

Conditions:
EGFR-related lung cancer (EGFR). Identifiers: MedGen CN130014.

Allele frequency attached by ClinVar (database versions not stated): gnomAD exomes below 0.00001 and 0.00001; ExAC 0.00001.
gnomAD v4.1: 2 of 1,614,082 alleles (0.00012%); highest among the groups gnomAD compares: East Asian, 0.0045%; no homozygotes.

Submission:

Labcorp Genetics (formerly Invitae), Labcorp
Classification: Uncertain significance for EGFR-related lung cancer. Last evaluated: 2024-08-22. Review status: criteria provided, single submitter. Criteria: Invitae Variant Classification Sherloc (09022015). Collection method: clinical testing. Allele origin: germline.
Comment: This sequence change replaces proline, which is neutral and non-polar, with serine, which is neutral and polar, at codon 753 of the EGFR protein (p.Pro753Ser). This variant is present in population databases (rs121913231, gnomAD 0.01%). This variant has not been reported in the literature in individuals affected with EGFR-related conditions. ClinVar contains an entry for this variant (Variation ID: 376081). Invitae Evidence Modeling of protein sequence and biophysical properties (such as structural, functional, and spatial information, amino acid conservation, physicochemical variation, residue mobility, and thermodynamic stability) indicates that this missense variant is not expected to disrupt EGFR protein function with a negative predictive value of 80%. In summary, the available evidence is currently insufficient to determine the role of this variant in disease. Therefore, it has been classified as a Variant of Uncertain Significance.